The following is an entry in ClinVar:

NM_206933.4(USH2A):c.4777A>G (p.Thr1593Ala)

Gene: USH2A (usherin; minus strand). Cytogenetic location: 1q41.
Variant type: single nucleotide variant.
Coding change: c.4777A>G on transcript NM_206933.4 (MANE Select); coding-DNA position 4777, A replaced by G.
Protein change: p.Thr1593Ala; replaces threonine 1593 with alanine.
Molecular consequence: missense variant.
Genome position (GRCh38, 1-based): chr1:216,089,121, T>C on the plus strand (A>G on the coding strand, the complement: USH2A is on the minus strand). VCF-style: chr1-216089121-T-C. GRCh37 (hg19) VCF-style: chr1-216262463-T-C.
Other names: short protein forms T1593A.
Identifiers: ClinVar variation 2186164 (VCV002186164.4), dbSNP rs2527819394, ClinGen allele CA344860827.

ClinVar aggregate classification (germline): Uncertain significance (1 of 4 stars; one submission).

Submission:

Labcorp Genetics (formerly Invitae), Labcorp
Classification: Uncertain significance. Last evaluated: 2023-07-07. Review status: criteria provided, single submitter. Criteria: Invitae Variant Classification Sherloc (09022015). Collection method: clinical testing. Allele origin: germline.
Comment: This sequence change replaces threonine, which is neutral and polar, with alanine, which is neutral and non-polar, at codon 1593 of the USH2A protein (p.Thr1593Ala). This variant is not present in population databases (gnomAD no frequency). This variant has not been reported in the literature in individuals affected with USH2A-related conditions. ClinVar contains an entry for this variant (Variation ID: 2186164). Advanced modeling of protein sequence and biophysical properties (such as structural, functional, and spatial information, amino acid conservation, physicochemical variation, residue mobility, and thermodynamic stability) performed at Invitae indicates that this missense variant is not expected to disrupt USH2A protein function. In summary, the available evidence is currently insufficient to determine the role of this variant in disease. Therefore, it has been classified as a Variant of Uncertain Significance.